The following is an entry in ClinVar:

ClinVar aggregate classification (germline): Pathogenic/Likely pathogenic. Review status: criteria provided, multiple submitters, no conflicts (2 of 4 stars). 5 submissions from 5 submitters: Pathogenic (4); Likely pathogenic (1). Last evaluated 2026-01-31.

Conditions:
Ichthyosis vulgaris. Also called: ICHTHYOSIS SIMPLEX; Dominant ichthyosis vulgaris. Identifiers: MedGen C0079584, MONDO:0024304, OMIM 146700.
FLG-related disorder. Also called: FLG-related disorders; FLG-related condition.
Dermatitis, atopic, 2. Identifiers: MedGen C1853965, MONDO:0011596, OMIM 605803.

Allele frequency attached by ClinVar (database versions not stated): ExAC 0.00010; gnomAD exomes 0.00014; 1000 Genomes Project 30x 0.00047; 1000 Genomes Project 0.00060; gnomAD 0.00003 and 0.00005; TOPMed 0.00009.
gnomAD v4.1: 37 of 1,613,550 alleles (0.0023%); highest among the groups gnomAD compares: East Asian, 0.078%; no homozygotes.

Submissions (5):

GeneDx
Classification: Pathogenic. Last evaluated: 2026-01-31. Review status: criteria provided, single submitter. Criteria: GeneDx Variant Classification Process June 2021. Collection method: clinical testing. Allele origin: germline. Affected: yes.
Comment: Identified in patients with FLG-related disorders in published literature (PMID: 18239616, 22407025, 29056476); Nonsense variant predicted to result in protein truncation, as the last 1645 amino acid(s) are lost, and other loss-of-function variants have been reported downstream in HGMD; This variant is associated with the following publications: (PMID: 18239616, 22407025, 29056476, 28120571, 30549102, 33969541, 31980526, 36716921)

Blueprint Genetics
Classification: Likely pathogenic for FLG-related disorders. Last evaluated: 2023-10-02. Review status: criteria provided, single submitter. Criteria: ACMG Guidelines, 2015. Collection method: clinical testing. Allele origin: germline. Affected: yes. Observed: 4 variant alleles.

Genome-Nilou Lab
Classification: Pathogenic for Ichthyosis vulgaris. Last evaluated: 2023-04-11. Review status: criteria provided, single submitter. Criteria: ACMG Guidelines, 2015. Collection method: clinical testing. Allele origin: germline. Affected: no.

Mendelics
Classification: Pathogenic for Ichthyosis vulgaris. Last evaluated: 2022-05-04. Review status: criteria provided, single submitter. Criteria: Mendelics Assertion Criteria 2019. Collection method: clinical testing. Allele origin: germline.

Juno Genomics, Hangzhou Juno Genomics, Inc
Classification: Pathogenic for Dermatitis, atopic, 2; Ichthyosis vulgaris. Review status: criteria provided, single submitter. Criteria: ACMG Guidelines, 2015. Collection method: clinical testing. Allele origin: germline.
Comment: Null variant in a gene where loss of function (LOF) is a known mechanism of disease.;The prevalence of the variant in affected individuals is significantly increased compared to the prevalence in controls.;For recessive disorders, detected in trans with a pathogenic variant.;Patient's phenotype or family history is highly specific for a disease with a single genetic etiology.

NM_002016.2(FLG):c.7249C>T (p.Gln2417Ter)

Genes: CCDST (cervical cancer associated DHX9 suppressive transcript; plus strand), FLG (filaggrin; minus strand). Cytogenetic location: 1q21.3.
Variant type: single nucleotide variant.
Coding change: c.7249C>T on transcript NM_002016.2 (MANE Select); coding-DNA position 7249, C replaced by T.
Protein change: p.Gln2417Ter; replaces glutamine 2417 with a stop codon.
Molecular consequence: nonsense.
Genome position (GRCh38, 1-based): chr1:152,307,637, G>A on the plus strand (C>T on the coding strand, the complement: FLG is on the minus strand). VCF-style: chr1-152307637-G-A. GRCh37 (hg19) VCF-style: chr1-152280113-G-A.
Other names: short protein forms Q2417*.
Identifiers: ClinVar variation 381660 (VCV000381660.15), dbSNP rs528722713, ClinGen allele CA1104828.
Genomic context (GRCh38, chr1:152,307,637, plus strand): 5'-CTCCAGTGCTGGTCCCGGTCCGTCCATGGGCGGACTCAGACTGTTCATGAGTGCTCACCT[G>A]GTAGAGGAAAGACCCTGAACGTCCAGACCTTCCTGCTGACCGGCCACGTGTGGACTCTTG-3'